The following is an entry in ClinVar:

ClinVar aggregate classification (germline): Uncertain significance (1 of 4 stars; one submission).

Conditions:
Cardiomyopathy (CMYO). Also called: Cardiomyopathies. Identifiers: Orphanet 167848, MedGen C0878544, MONDO:0004994, HP:0001638. Inheritance: Various modes of inheritance.

Submission:

Color Diagnostics, LLC DBA Color Health
Classification: Uncertain significance for Cardiomyopathy. Last evaluated: 2024-03-07. Review status: criteria provided, single submitter. Criteria: ACMG Guidelines, 2015. Collection method: clinical testing. Allele origin: germline.
Comment: This missense variant replaces proline with serine at codon 3535 of the RYR2 protein. Computational prediction suggests that this variant may not impact protein structure and function (internally defined REVEL score threshold <= 0.5, PMID: 27666373). To our knowledge, functional studies have not been reported for this variant. This variant has not been reported in individuals affected with cardiovascular disorders in the literature. This variant has not been identified in the general population by the Genome Aggregation Database (gnomAD). The available evidence is insufficient to determine the role of this variant in disease conclusively. Therefore, this variant is classified as a Variant of Uncertain Significance.

NM_001035.3(RYR2):c.10603C>T (p.Pro3535Ser)

Gene: RYR2 (ryanodine receptor 2; plus strand). Cytogenetic location: 1q43.
Variant type: single nucleotide variant.
Coding change: c.10603C>T on transcript NM_001035.3 (MANE Select); coding-DNA position 10603, C replaced by T.
Protein change: p.Pro3535Ser; replaces proline 3535 with serine.
Molecular consequence: missense variant.
Genome position (GRCh38, 1-based): chr1:237,723,176, C>T. VCF-style: chr1-237723176-C-T. GRCh37 (hg19) VCF-style: chr1-237886476-C-T.
Other names: short protein forms P3535S.
Identifiers: ClinVar variation 1332588 (VCV001332588.4), dbSNP rs2149125570, ClinGen allele CA345416075.
Genomic context (GRCh38, chr1:237,723,176, plus strand): 5'-TTTTTTCTGCAGTTGGAGGATCCTGCTATTAGATGGCAAATGGCTCTTTACAAAGACTTA[C>T]CAAACAGGACTGATGATACCTCAGATCCAGAGAAGACGGTAGAAAGAGTATTGGATATAG-3'
Protein context (NP_001026.2, residues 3525-3545): RWQMALYKDL[Pro3535Ser]NRTDDTSDPE